The following is an entry in ClinVar:

ClinVar aggregate classification (germline): Uncertain significance (1 of 4 stars; one submission).

Submission:

Labcorp Genetics (formerly Invitae), Labcorp
Classification: Uncertain significance. Last evaluated: 2023-08-23. Review status: criteria provided, single submitter. Criteria: Invitae Variant Classification Sherloc (09022015). Collection method: clinical testing. Allele origin: germline.
Comment: In summary, the available evidence is currently insufficient to determine the role of this variant in disease. Therefore, it has been classified as a Variant of Uncertain Significance. An algorithm developed to predict the effect of missense changes on protein structure and function (PolyPhen-2) suggests that this variant is likely to be disruptive. This variant has not been reported in the literature in individuals affected with ADGRA3-related conditions. This variant is not present in population databases (gnomAD no frequency). This sequence change replaces methionine, which is neutral and non-polar, with leucine, which is neutral and non-polar, at codon 265 of the ADGRA3 protein (p.Met265Leu).

NM_145290.4(ADGRA3):c.793A>T (p.Met265Leu)

Gene: ADGRA3 (adhesion G protein-coupled receptor A3; minus strand). Cytogenetic location: 4p15.2.
Variant type: single nucleotide variant.
Coding change: c.793A>T on transcript NM_145290.4 (MANE Select); coding-DNA position 793, A replaced by T.
Protein change: p.Met265Leu; replaces methionine 265 with leucine.
Molecular consequence: missense variant.
Genome position (GRCh38, 1-based): chr4:22,442,777, T>A on the plus strand (A>T on the coding strand, the complement: ADGRA3 is on the minus strand). VCF-style: chr4-22442777-T-A. GRCh37 (hg19) VCF-style: chr4-22444400-T-A.
Other names: short protein forms M265L.
Identifiers: ClinVar variation 2754719 (VCV002754719.3), dbSNP rs1467675518, ClinGen allele CA356477344.